The following is an entry in ClinVar:

NM_080605.4(B3GALT6):c.71C>T (p.Ala24Val)

Gene: B3GALT6 (beta-1,3-galactosyltransferase 6; plus strand). Cytogenetic location: 1p36.33.
Variant type: single nucleotide variant.
Coding change: c.71C>T on transcript NM_080605.4 (MANE Select); coding-DNA position 71, C replaced by T.
Protein change: p.Ala24Val; replaces alanine 24 with valine.
Molecular consequence: missense variant.
Genome position (GRCh38, 1-based): chr1:1,232,349, C>T. VCF-style: chr1-1232349-C-T. GRCh37 (hg19) VCF-style: chr1-1167729-C-T.
Other names: short protein forms A24V.
Identifiers: ClinVar variation 1897856 (VCV001897856.3), dbSNP rs1334410069, ClinGen allele CA337822189.

ClinVar aggregate classification (germline): Uncertain significance (1 of 4 stars; one submission).

Conditions:
Ehlers-Danlos syndrome, spondylodysplastic type, 2 (EDSSPD2). Also called: Ehlers-Danlos syndrome, progeroid type, 2. Identifiers: Orphanet 536467, Orphanet 75496, MedGen C3809210, MONDO:0014139, OMIM 615349.
Spondyloepimetaphyseal dysplasia with joint laxity (SEMDJL). Identifiers: MedGen C0432243, MONDO:0019675.

Allele frequency attached by ClinVar (database versions not stated): gnomAD exomes below 0.00001; TOPMed below 0.00001.
gnomAD v4.1: 2 of 985,048 alleles (0.0002%); highest among the groups gnomAD compares: Non-Finnish European, 0.00024%; no homozygotes.

Submission:

Labcorp Genetics (formerly Invitae), Labcorp
Classification: Uncertain significance for Ehlers-Danlos syndrome, spondylodysplastic type, 2; Spondyloepimetaphyseal dysplasia with joint laxity. Last evaluated: 2022-08-19. Review status: criteria provided, single submitter. Criteria: Invitae Variant Classification Sherloc (09022015). Collection method: clinical testing. Allele origin: germline.
Comment: In summary, the available evidence is currently insufficient to determine the role of this variant in disease. Therefore, it has been classified as a Variant of Uncertain Significance. Algorithms developed to predict the effect of missense changes on protein structure and function output the following: SIFT: "Tolerated"; PolyPhen-2: "Benign"; Align-GVGD: "Class C0". The valine amino acid residue is found in multiple mammalian species, which suggests that this missense change does not adversely affect protein function. This variant has not been reported in the literature in individuals affected with B3GALT6-related conditions. The frequency data for this variant in the population databases is considered unreliable, as metrics indicate insufficient coverage at this position in the gnomAD database. This sequence change replaces alanine, which is neutral and non-polar, with valine, which is neutral and non-polar, at codon 24 of the B3GALT6 protein (p.Ala24Val).